The following is an entry in ClinVar:

ClinVar aggregate classification (germline): Likely benign. Review status: criteria provided, multiple submitters, no conflicts (2 of 4 stars). 4 submissions from 4 submitters: Likely benign (3). 1 of the submissions does not count toward it. Last evaluated 2025-12-29.

Conditions:
CEP63-related disorder. Also called: CEP63-related condition.

Allele frequency attached by ClinVar (database versions not stated): 1000 Genomes Project 30x 0.00016; 1000 Genomes Project 0.00020; ESP Exome Variant Server 0.00054; TOPMed 0.00093.
gnomAD v4.1: 1,046 of 1,614,102 alleles (0.065%); highest among the groups gnomAD compares: Admixed American, 0.25%; 3 homozygotes.

Submissions (4):

Labcorp Genetics (formerly Invitae), Labcorp
Classification: Likely benign. Last evaluated: 2025-12-29. Review status: criteria provided, single submitter. Criteria: Invitae Variant Classification Sherloc (09022015). Collection method: clinical testing. Allele origin: germline.

Blueprint Genetics
Classification: Likely benign. Last evaluated: 2024-10-30. Review status: criteria provided, single submitter. Criteria: ACMG Guidelines, 2015. Collection method: clinical testing. Allele origin: germline.

Genetic Services Laboratory, University of Chicago
Classification: Likely benign. Last evaluated: 2017-03-01. Review status: criteria provided, single submitter. Criteria: ACMG Guidelines, 2015. Collection method: clinical testing. Allele origin: germline. Affected: no.

PreventionGenetics, part of Exact Sciences
Classification: Likely benign for CEP63-related condition. Last evaluated: 2022-09-28. Review status: no assertion criteria provided. Collection method: clinical testing. Allele origin: germline. Not counted in ClinVar's aggregate classification.
Comment: This variant is classified as likely benign based on ACMG/AMP sequence variant interpretation guidelines (Richards et al. 2015 PMID: 25741868, with internal and published modifications).

NM_001353108.3(CEP63):c.1331G>A (p.Arg444Gln)

Gene: CEP63 (centrosomal protein 63; plus strand). Cytogenetic location: 3q22.2.
Variant type: single nucleotide variant.
Coding change: c.1331G>A on transcript NM_001353108.3 (MANE Select); coding-DNA position 1331, G replaced by A.
Protein change: p.Arg444Gln; replaces arginine 444 with glutamine.
Molecular consequence: missense variant. On other transcripts: non-coding transcript variant (4).
Genome position (GRCh38, 1-based): chr3:134,550,211, G>A. VCF-style: chr3-134550211-G-A. GRCh37 (hg19) VCF-style: chr3-134269053-G-A.
Other names: c.1193G>A, p.Arg398Gln (NM_001042383.2, NM_001042384.2, NM_001353109.1 and 6 more transcripts); c.1331G>A, p.Arg444Gln (NM_001042400.3, NM_001353110.1, NM_001353111.2 and 4 more transcripts); c.1220G>A, p.Arg407Gln (NM_001353118.1); c.1109G>A, p.Arg370Gln (NM_001353125.2); c.830G>A, p.Arg277Gln (NM_001353126.2); short protein forms R398Q, R444Q, R277Q, R370Q, R407Q.
Identifiers: ClinVar variation 434748 (VCV000434748.18), dbSNP rs140451650, ClinGen allele CA2628645.
Genomic context (GRCh38, chr3:134,550,211, plus strand): 5'-TACATCAGCGAGATATCACTATTGCTTCCACCAAAGGTTCTTCCTCAGACATGGAAAAGC[G>A]ACTCAGAGCAGAGATGCAAAAGGCAGAAGACAAAGCAGTAGAGCATAAGGTGAAGCCTGA-3'
Protein context (NP_001340037.1, residues 434-454): TKGSSSDMEK[Arg444Gln]LRAEMQKAED